The following is an entry in ClinVar:

NM_020964.3(EPG5):c.2509G>A (p.Val837Ile)

Gene: EPG5 (ectopic P-granules 5 autophagy tethering factor; minus strand). Cytogenetic location: 18q21.1.
Variant type: single nucleotide variant.
Coding change: c.2509G>A on transcript NM_020964.3 (MANE Select); coding-DNA position 2509, G replaced by A.
Protein change: p.Val837Ile; replaces valine 837 with isoleucine.
Molecular consequence: missense variant.
Genome position (GRCh38, 1-based): chr18:45,928,913, C>T on the plus strand (G>A on the coding strand, the complement: EPG5 is on the minus strand). VCF-style: chr18-45928913-C-T. GRCh37 (hg19) VCF-style: chr18-43508879-C-T.
Other names: short protein forms V837I.
Identifiers: ClinVar variation 1476633 (VCV001476633.7), dbSNP rs374638575, ClinGen allele CA299774519.

ClinVar aggregate classification (germline): Uncertain significance (1 of 4 stars; one submission).

Conditions:
Vici syndrome (VICIS). Identifiers: Orphanet 1493, MedGen C1855772, MONDO:0009452, OMIM 242840.

Allele frequency attached by ClinVar (database versions not stated): gnomAD 0.00001 and 0.00002; gnomAD exomes 0.00001; TOPMed 0.00002; ESP Exome Variant Server 0.00008.
gnomAD v4.1: 13 of 1,613,826 alleles (0.00081%); highest among the groups gnomAD compares: East Asian, 0.0022%; no homozygotes.

Submission:

Labcorp Genetics (formerly Invitae), Labcorp
Classification: Uncertain significance for Vici syndrome. Last evaluated: 2024-02-24. Review status: criteria provided, single submitter. Criteria: Invitae Variant Classification Sherloc (09022015). Collection method: clinical testing. Allele origin: germline.
Comment: This sequence change replaces valine, which is neutral and non-polar, with isoleucine, which is neutral and non-polar, at codon 837 of the EPG5 protein (p.Val837Ile). This variant is present in population databases (rs374638575, gnomAD 0.005%). This variant has not been reported in the literature in individuals affected with EPG5-related conditions. ClinVar contains an entry for this variant (Variation ID: 1476633). Advanced modeling of protein sequence and biophysical properties (such as structural, functional, and spatial information, amino acid conservation, physicochemical variation, residue mobility, and thermodynamic stability) performed at Invitae indicates that this missense variant is not expected to disrupt EPG5 protein function with a negative predictive value of 80%. In summary, the available evidence is currently insufficient to determine the role of this variant in disease. Therefore, it has been classified as a Variant of Uncertain Significance.